The following is an entry in ClinVar:

NM_000135.4(FANCA):c.166G>T (p.Asp56Tyr)

Gene: FANCA (FA complementation group A; minus strand). Cytogenetic location: 16q24.3.
Variant type: single nucleotide variant.
Coding change: c.166G>T on transcript NM_000135.4 (MANE Select); coding-DNA position 166, G replaced by T.
Protein change: p.Asp56Tyr; replaces aspartic acid 56 with tyrosine.
Molecular consequence: missense variant.
Genome position (GRCh38, 1-based): chr16:89,815,900, C>A on the plus strand (G>T on the coding strand, the complement: FANCA is on the minus strand). VCF-style: chr16-89815900-C-A. GRCh37 (hg19) VCF-style: chr16-89882308-C-A.
Other names: c.166G>T, p.Asp56Tyr (NM_001018112.3, NM_001286167.3, NM_001351830.2); short protein forms D56Y.
Identifiers: ClinVar variation 3633343 (VCV003633343.2).

ClinVar aggregate classification (germline): Uncertain significance (1 of 4 stars; one submission).

Conditions:
Fanconi anemia (FA). Also called: Fanconi's anemia. Identifiers: Orphanet 84, MedGen C0015625, MeSH D005199, MONDO:0019391.

Submission:

Labcorp Genetics (formerly Invitae), Labcorp
Classification: Uncertain significance for Fanconi anemia. Last evaluated: 2024-05-10. Review status: criteria provided, single submitter. Criteria: Invitae Variant Classification Sherloc (09022015). Collection method: clinical testing. Allele origin: germline.
Comment: This sequence change replaces aspartic acid, which is acidic and polar, with tyrosine, which is neutral and polar, at codon 56 of the FANCA protein (p.Asp56Tyr). This variant is not present in population databases (gnomAD no frequency). This variant has not been reported in the literature in individuals affected with FANCA-related conditions. Advanced modeling of protein sequence and biophysical properties (such as structural, functional, and spatial information, amino acid conservation, physicochemical variation, residue mobility, and thermodynamic stability) performed at Invitae indicates that this missense variant is not expected to disrupt FANCA protein function with a negative predictive value of 80%. In summary, the available evidence is currently insufficient to determine the role of this variant in disease. Therefore, it has been classified as a Variant of Uncertain Significance.